The following is an entry in ClinVar:

ClinVar aggregate classification (germline): Conflicting classifications of pathogenicity. Review status: criteria provided, conflicting classifications (1 of 4 stars). 5 submissions from 5 submitters: Uncertain significance (4); Likely benign (1). Last evaluated 2026-01-18.

Conditions:
Arrhythmogenic cardiomyopathy with wooly hair and keratoderma. Also called: Carvajal syndrome; PALMOPLANTAR KERATODERMA WITH LEFT VENTRICULAR CARDIOMYOPATHY AND WOOLLY HAIR; Dilated cardiomyopathy with woolly hair and keratoderma; Arrhythmogenic cardiomyopathy with woolly hair and keratoderma. Identifiers: Orphanet 65282, MedGen C1854063, MONDO:0011581, OMIM 605676.
Cardiomyopathy, dilated, with wooly hair, keratoderma, and tooth agenesis. Also called: Cardiomyopathy, dilated, with woolly hair, keratoderma, and tooth agenesis; Erythrokeratodermia-cardiomyopathy syndrome. Identifiers: Orphanet 476096, Orphanet 65282, MedGen C4014393, MONDO:0014355, OMIM 615821.
Arrhythmogenic right ventricular dysplasia 8 (ARVD8). Also called: Arrhythmogenic Right Ventricular Dysplasia/Cardiomyopathy 8; ARRHYTHMOGENIC RIGHT VENTRICULAR DYSPLASIA, FAMILIAL, 8; ARRHYTHMOGENIC RIGHT VENTRICULAR CARDIOMYOPATHY 8. Identifiers: MedGen C1843896, MONDO:0011831, OMIM 607450.
Lethal acantholytic epidermolysis bullosa (EBLA). Identifiers: Orphanet 158687, MedGen C1864826, MONDO:0012323, OMIM 609638.
Woolly hair-skin fragility syndrome (WHSF). Identifiers: Orphanet 293165, MedGen C1843292, MONDO:0957307, OMIM 620415.
Keratosis palmoplantaris striata 2. Also called: Keratosis palmoplantaris striata II; KERATODERMA, PALMOPLANTAR, STRIATE FORM II; STRIATE PALMOPLANTAR KERATODERMA II. Identifiers: MedGen C1852127, MONDO:0013034, OMIM 612908.
Cardiomyopathy (CMYO). Also called: Cardiomyopathies. Identifiers: Orphanet 167848, MedGen C0878544, MONDO:0004994, HP:0001638. Inheritance: Various modes of inheritance.
Cardiovascular phenotype. Identifiers: MedGen CN230736.

Allele frequency attached by ClinVar (database versions not stated): TOPMed 0.00002; gnomAD 0.00003; gnomAD exomes 0.00005.
gnomAD v4.1: 78 of 1,613,140 alleles (0.0048%); highest among the groups gnomAD compares: Non-Finnish European, 0.0064%; no homozygotes.

Submissions (5):

Labcorp Genetics (formerly Invitae), Labcorp
Classification: Likely benign for Arrhythmogenic cardiomyopathy with wooly hair and keratoderma; Arrhythmogenic right ventricular dysplasia 8. Last evaluated: 2026-01-18. Review status: criteria provided, single submitter. Criteria: Invitae Variant Classification Sherloc (09022015). Collection method: clinical testing. Allele origin: germline.

Color Diagnostics, LLC DBA Color Health
Classification: Uncertain significance for Cardiomyopathy. Last evaluated: 2025-07-01. Review status: criteria provided, single submitter. Criteria: ACMG Guidelines, 2015. Collection method: clinical testing. Allele origin: germline.
Comment: This missense variant replaces serine with arginine at codon 1361 of the DSP protein. Computational prediction suggests that this variant may not impact protein structure and function. To our knowledge, functional studies have not been reported for this variant. This variant has been reported in an individual affected with dilated cardiomyopathy (PMID: 31983221). This variant has been identified in 2/31314 chromosomes in the general population by the Genome Aggregation Database (gnomAD). The available evidence is insufficient to determine the role of this variant in disease conclusively. Therefore, this variant is classified as a Variant of Uncertain Significance.

Ambry Genetics
Classification: Uncertain significance for Cardiovascular phenotype. Last evaluated: 2025-06-07. Review status: criteria provided, single submitter. Criteria: Ambry Variant Classification Scheme 2023. Collection method: clinical testing. Allele origin: germline.
Comment: The p.S1361R variant (also known as c.4081A>C), located in coding exon 23 of the DSP gene, results from an A to C substitution at nucleotide position 4081. The serine at codon 1361 is replaced by arginine, an amino acid with dissimilar properties. This variant was reported in individual(s) with features consistent with cardiomyopathy (Mazzarotto F et al. Circulation, 2020 Feb;141:387-398; McGurk KA et al. Am J Hum Genet, 2023 Sep;110:1482-1495). This amino acid position is well conserved in available vertebrate species. In addition, the in silico prediction for this alteration is inconclusive. Based on the available evidence, the clinical significance of this variant remains unclear.

Blueprint Genetics
Classification: Uncertain significance. Last evaluated: 2024-04-19. Review status: criteria provided, single submitter. Criteria: ACMG Guidelines, 2015. Collection method: clinical testing. Allele origin: germline.

Fulgent Genetics
Classification: Uncertain significance for Arrhythmogenic cardiomyopathy with wooly hair and keratoderma; Arrhythmogenic right ventricular dysplasia 8; Lethal acantholytic epidermolysis bullosa; Keratosis palmoplantaris striata 2; Cardiomyopathy, dilated, with wooly hair, keratoderma, and tooth agenesis. Last evaluated: 2021-11-16. Review status: criteria provided, single submitter. Criteria: ACMG Guidelines, 2015. Collection method: clinical testing. Allele origin: unknown.

Literature cited by the submitters: PubMed 31983221 (cited by Color Diagnostics, LLC DBA Color Health and Ambry Genetics); PubMed 37652022 (cited by Ambry Genetics).

NM_004415.4(DSP):c.4081A>C (p.Ser1361Arg)

Gene: DSP (desmoplakin; plus strand). Cytogenetic location: 6p24.3.
Variant type: single nucleotide variant.
Coding change: c.4081A>C on transcript NM_004415.4 (MANE Select); coding-DNA position 4081, A replaced by C.
Protein change: p.Ser1361Arg; replaces serine 1361 with arginine.
Molecular consequence: missense variant. On other transcripts: intron variant (2).
Genome position (GRCh38, 1-based): chr6:7,580,271, A>C. VCF-style: chr6-7580271-A-C. GRCh37 (hg19) VCF-style: chr6-7580504-A-C.
Other names: c.4050+31A>C (NM_001319034.2); c.3582+499A>C (NM_001008844.3); short protein forms S1361R.
Identifiers: ClinVar variation 919429 (VCV000919429.16), dbSNP rs747326519, ClinGen allele CA133969242.